The following is an entry in ClinVar:

ClinVar aggregate classification (germline): Likely benign (1 of 4 stars; one submission).

Allele frequency attached by ClinVar (database versions not stated): ExAC 0.00005; ESP Exome Variant Server 0.00017.
gnomAD v4.1: 38 of 1,589,810 alleles (0.0024%); highest among the groups gnomAD compares: Middle Eastern, 0.22%; 1 homozygote.

Submission:

CeGaT Center for Human Genetics Tuebingen
Classification: Likely benign. Last evaluated: 2022-11-01. Review status: criteria provided, single submitter. Criteria: CeGaT Center For Human Genetics Tuebingen Variant Classification Criteria Version 2. Collection method: clinical testing. Allele origin: germline. Affected: yes. Observed: 1 variant allele.
Comment: CHTF18: BP4, BP7

NM_022092.3(CHTF18):c.369C>G (p.Pro123=)

Gene: CHTF18 (chromosome transmission fidelity factor 18; plus strand). Cytogenetic location: 16p13.3.
Variant type: single nucleotide variant.
Coding change: c.369C>G on transcript NM_022092.3 (MANE Select); coding-DNA position 369, C replaced by G.
Protein change: p.Pro123=; no amino-acid change (proline 123 retained).
Molecular consequence: synonymous variant.
Genome position (GRCh38, 1-based): chr16:789,292, C>G. VCF-style: chr16-789292-C-G. GRCh37 (hg19) VCF-style: chr16-839292-C-G.
Identifiers: ClinVar variation 2645864 (VCV002645864.24), dbSNP rs373270981, ClinGen allele CA7794337.